The following is an entry in ClinVar:

ClinVar aggregate classification (germline): Pathogenic. Review status: criteria provided, multiple submitters, no conflicts (2 of 4 stars). 3 submissions from 3 submitters: Pathogenic (3). Last evaluated 2025-08-15.

Conditions:
Familial cancer of breast. Also called: Hereditary breast cancer; BREAST CANCER, FAMILIAL; hereditary breast carcinoma. Identifiers: Orphanet 227535, MedGen C0346153, MONDO:0016419, OMIM 114480. Disease mechanism: loss of function.
Hereditary cancer-predisposing syndrome. Also called: Tumor predisposition; Hereditary neoplastic syndrome; Neoplastic Syndromes, Hereditary; Hereditary Cancer Syndrome. Identifiers: Orphanet 140162, MedGen C0027672, MeSH D009386, MONDO:0015356.

Submissions (3):

Ambry Genetics
Classification: Pathogenic for Hereditary cancer-predisposing syndrome. Last evaluated: 2025-08-15. Review status: criteria provided, single submitter. Criteria: Ambry Variant Classification Scheme 2023. Collection method: clinical testing. Allele origin: germline.
Comment: The p.S179* pathogenic mutation (also known as c.536C>G), located in coding exon 4 of the BARD1 gene, results from a C to G substitution at nucleotide position 536. This changes the amino acid from a serine to a stop codon within coding exon 4. This variant is considered to be rare based on population cohorts in the Genome Aggregation Database (gnomAD). This alteration is expected to result in loss of function by premature protein truncation or nonsense-mediated mRNA decay. As such, this alteration is interpreted as a disease-causing mutation.

Labcorp Genetics (formerly Invitae), Labcorp
Classification: Pathogenic for Familial cancer of breast. Last evaluated: 2025-07-02. Review status: criteria provided, single submitter. Criteria: Invitae Variant Classification Sherloc (09022015). Collection method: clinical testing. Allele origin: germline.
Comment: This sequence change creates a premature translational stop signal (p.Ser179*) in the BARD1 gene. It is expected to result in an absent or disrupted protein product. Loss-of-function variants in BARD1 are known to be pathogenic (PMID: 20077502, 21344236). This variant is not present in population databases (gnomAD no frequency). This variant has not been reported in the literature in individuals affected with BARD1-related conditions. ClinVar contains an entry for this variant (Variation ID: 2583232). For these reasons, this variant has been classified as Pathogenic.

Myriad Genetics, Inc.
Classification: Pathogenic for Familial cancer of breast. Last evaluated: 2023-05-19. Review status: criteria provided, single submitter. Criteria: Myriad Autosomal Dominant, Autosomal Recessive and X-Linked Classification Criteria (2023). Collection method: clinical testing. Allele origin: unknown.
Comment: This variant is considered pathogenic. This variant creates a termination codon and is predicted to result in premature protein truncation.

Literature cited by the submitters: PubMed 20077502 (cited by Labcorp Genetics (formerly Invitae), Labcorp); PubMed 21344236 (cited by Labcorp Genetics (formerly Invitae), Labcorp).

NM_000465.4(BARD1):c.536C>G (p.Ser179Ter)

Gene: BARD1 (BRCA1 associated RING domain 1; minus strand). Cytogenetic location: 2q35.
Variant type: single nucleotide variant.
Coding change: c.536C>G on transcript NM_000465.4 (MANE Select); coding-DNA position 536, C replaced by G.
Protein change: p.Ser179Ter; replaces serine 179 with a stop codon.
Molecular consequence: nonsense. On other transcripts: non-coding transcript variant (2), intron variant (3).
Genome position (GRCh38, 1-based): chr2:214,781,338, G>C on the plus strand (C>G on the coding strand, the complement: BARD1 is on the minus strand). VCF-style: chr2-214781338-G-C. GRCh37 (hg19) VCF-style: chr2-215646062-G-C.
Other names: c.479C>G, p.Ser160Ter (NM_001282543.2); c.158+28074C>G (NM_001282548.2); c.215+15723C>G (NM_001282545.2); c.364+10959C>G (NM_001282549.2); c.536C>G (NM_000465.2); short protein forms S160*, S179*.
Identifiers: ClinVar variation 2583232 (VCV002583232.4), dbSNP rs2106111914, ClinGen allele CA350457437.